The following is an entry in ClinVar:

ClinVar aggregate classification (germline): Uncertain significance. Review status: criteria provided, multiple submitters, no conflicts (2 of 4 stars). 3 submissions from 3 submitters: Uncertain significance (3). Last evaluated 2025-08-01.

Conditions:
Inborn genetic diseases. Identifiers: MedGen C0950123, MeSH D030342.

Allele frequency attached by ClinVar (database versions not stated): gnomAD 0.00044; gnomAD exomes 0.00044 and 0.00082; TOPMed 0.00046; ExAC 0.00048; 1000 Genomes Project 0.00060; 1000 Genomes Project 30x 0.00062; ESP Exome Variant Server 0.00093.
gnomAD v4.1: 1,261 of 1,613,526 alleles (0.078%); highest among the groups gnomAD compares: South Asian, 0.1%; 2 homozygotes.

Submissions (3):

Ambry Genetics
Classification: Uncertain significance for Inborn genetic diseases. Last evaluated: 2025-08-01. Review status: criteria provided, single submitter. Criteria: Ambry Variant Classification Scheme 2023. Collection method: clinical testing. Allele origin: germline.

Laboratory for Molecular Medicine, Mass General Brigham Personalized Medicine
Classification: Uncertain significance. Last evaluated: 2016-03-29. Review status: criteria provided, single submitter. Criteria: LMM Criteria. Collection method: clinical testing. Allele origin: germline.
Comment: Variant identified in a genome or exome case(s) and assessed due to predicted null impact of the variant or pathogenic assertions in the literature or databases. Disclaimer: This variant has not undergone full assessment. The following are preliminary notes: Candidate PCD gene, but no second suspicious variant and no information on this variant

Breakthrough Genomics
Classification: Uncertain significance. Review status: criteria provided, single submitter. Criteria: ACMG Guidelines, 2015. Collection method: not provided. Allele origin: germline. Inheritance: Autosomal recessive inheritance. Affected: yes.

NM_024867.4(SPEF2):c.2390A>G (p.Asp797Gly)

Gene: SPEF2 (sperm flagellar 2; plus strand). Cytogenetic location: 5p13.2.
Variant type: single nucleotide variant.
Coding change: c.2390A>G on transcript NM_024867.4 (MANE Select); coding-DNA position 2390, A replaced by G.
Protein change: p.Asp797Gly; replaces aspartic acid 797 with glycine.
Molecular consequence: missense variant.
Genome position (GRCh38, 1-based): chr5:35,700,744, A>G. VCF-style: chr5-35700744-A-G. GRCh37 (hg19) VCF-style: chr5-35700846-A-G.
Other names: short protein forms D797G.
Identifiers: ClinVar variation 403483 (VCV000403483.6), dbSNP rs201730485, ClinGen allele CA3230760.